The following is an entry in ClinVar:

NM_006044.4(HDAC6):c.1117C>G (p.Leu373Val)

Gene: HDAC6 (histone deacetylase 6; plus strand). Cytogenetic location: Xp11.23.
Variant type: single nucleotide variant.
Coding change: c.1117C>G on transcript NM_006044.4 (MANE Select); coding-DNA position 1117, C replaced by G.
Protein change: p.Leu373Val; replaces leucine 373 with valine.
Molecular consequence: missense variant. On other transcripts: non-coding transcript variant (1).
Genome position (GRCh38, 1-based): chrX:48,815,019, C>G. VCF-style: chrX-48815019-C-G. GRCh37 (hg19) VCF-style: chrX-48673426-C-G.
Other names: c.1159C>G, p.Leu387Val (NM_001321225.2); c.1117C>G, p.Leu373Val (NM_001321226.2, NM_001321227.2, NM_001321228.2 and 1 more transcripts); short protein forms L373V, L387V.
Identifiers: ClinVar variation 2660471 (VCV002660471.24), dbSNP rs782037409, ClinGen allele CA10404993.
Genomic context (GRCh38, chrX:48,815,019, plus strand): 5'-CAGGGTGAGATGGCCGCCACTCCGGCAGGGTTCGCCCAGCTAACCCACCTGCTCATGGGT[C>G]TGGCAGGAGGCAAGCTGATCCTGTCTCTGGAGGTGAGTGACTCACCTTCGTCCCTCAGCC-3'
Protein context (NP_006035.2, residues 363-383): FAQLTHLLMG[Leu373Val]AGGKLILSLE

ClinVar aggregate classification (germline): Likely benign (1 of 4 stars; one submission).

Allele frequency attached by ClinVar (database versions not stated): TOPMed 0.00001; ExAC 0.00002; gnomAD 0.00002; gnomAD exomes 0.00002.
gnomAD v4.1: 22 of 1,202,272 alleles (0.0018%); highest among the groups gnomAD compares: Non-Finnish European, 0.0024%; no homozygotes.

Submission:

CeGaT Center for Human Genetics Tuebingen
Classification: Likely benign. Last evaluated: 2023-02-01. Review status: criteria provided, single submitter. Criteria: CeGaT Center For Human Genetics Tuebingen Variant Classification Criteria Version 2. Collection method: clinical testing. Allele origin: germline. Affected: yes. Observed: 1 variant allele.
Comment: HDAC6: BP4